The following is an entry in ClinVar:

ClinVar aggregate classification (germline): Benign (1 of 4 stars; one submission).

Conditions:
Cardiomyopathy (CMYO). Also called: Cardiomyopathies. Identifiers: Orphanet 167848, MedGen C0878544, MONDO:0004994, HP:0001638. Inheritance: Various modes of inheritance.

Submission:

GeneDx
Classification: Benign for Cardiomyopathy. Last evaluated: 2012-10-02. Review status: criteria provided, single submitter. Criteria: GeneDx Variant Classification (06012015). Collection method: clinical testing. Allele origin: germline. Affected: yes.
Comment: The variant is found in HCM panel(s).

NM_000432.4(MYL2):c.274+9del

Gene: MYL2 (myosin light chain 2; minus strand). Cytogenetic location: 12q24.11.
Variant type: Deletion.
Coding change: c.274+9del on transcript NM_000432.4 (MANE Select); 9 bases into the intron after coding-DNA position 274, one base deleted (G; older notation c.274+9delG).
Molecular consequence: intron variant.
Genome position (GRCh38, 1-based): chr12:110,914,177, C deleted on the plus strand (G on the coding strand, the reverse complement: MYL2 is on the minus strand). VCF-style (leftmost placement, unchanged base first): chr12-110914176-AC-A. GRCh37 (hg19) VCF-style: chr12-111351980-AC-A.
Other names: c.274+9delG (NM_000432.3).
Identifiers: ClinVar variation 181418 (VCV000181418.1), dbSNP rs730880939, ClinGen allele CA010008.